The following is an entry in ClinVar:

NM_000059.4(BRCA2):c.9386C>G (p.Pro3129Arg)

Gene: BRCA2 (BRCA2 DNA repair associated; plus strand). Cytogenetic location: 13q13.1.
Variant type: single nucleotide variant.
Coding change: c.9386C>G on transcript NM_000059.4 (MANE Select); coding-DNA position 9386, C replaced by G.
Protein change: p.Pro3129Arg; replaces proline 3129 with arginine.
Molecular consequence: missense variant. On other transcripts: non-coding transcript variant (1).
Genome position (GRCh38, 1-based): chr13:32,394,818, C>G. VCF-style: chr13-32394818-C-G. GRCh37 (hg19) VCF-style: chr13-32968955-C-G.
Other names: c.9290C>G, p.Pro3097Arg (NM_001406719.1); c.9335C>G, p.Pro3112Arg (NM_001406720.1); c.4454C>G, p.Pro1485Arg (NM_001406721.1); c.2969C>G, p.Pro990Arg (NM_001406722.1); c.9386C>G, p.Pro3129Arg (NM_001432077.1); short protein forms P3097R, P3112R, P1485R, P3129R, P990R.
Identifiers: ClinVar variation 4215765 (VCV004215765.1).
Genomic context (GRCh38, chr13:32,394,818, plus strand): 5'-TTAATGAGGACATTATTAAGCCTCATATGTTAATTGCTGCAAGCAACCTCCAGTGGCGAC[C>G]AGAATCCAAATCAGGCCTTCTTACTTTATTTGCTGGAGATTTTTCTGTGTTTTCTGCTAG-3'
Protein context (NP_000050.3, residues 3119-3139): LIAASNLQWR[Pro3129Arg]ESKSGLLTLF

ClinVar aggregate classification (germline): Uncertain significance (1 of 4 stars; one submission).

Conditions:
Hereditary cancer-predisposing syndrome. Also called: Hereditary Cancer Syndrome; Hereditary neoplastic syndrome; Neoplastic Syndromes, Hereditary; Tumor predisposition. Identifiers: Orphanet 140162, MedGen C0027672, MeSH D009386, MONDO:0015356.

Submission:

Ambry Genetics
Classification: Uncertain significance for Hereditary cancer-predisposing syndrome. Last evaluated: 2025-06-24. Review status: criteria provided, single submitter. Criteria: Ambry Variant Classification Scheme 2023. Collection method: clinical testing. Allele origin: germline.
Comment: The p.P3129R variant (also known as c.9386C>G), located in coding exon 24 of the BRCA2 gene, results from a C to G substitution at nucleotide position 9386. The proline at codon 3129 is replaced by arginine, an amino acid with dissimilar properties. This amino acid position is conserved. In addition, the in silico prediction for this alteration is inconclusive. Based on the available evidence, the clinical significance of this variant remains unclear.